The following is an entry in ClinVar:

ClinVar aggregate classification (germline): Conflicting classifications of pathogenicity. Review status: criteria provided, conflicting classifications (1 of 4 stars). 4 submissions from 4 submitters: Uncertain significance (3); Likely benign (1). Last evaluated 2026-09-30.

Conditions:
Inborn genetic diseases. Identifiers: MedGen C0950123, MeSH D030342.

Allele frequency attached by ClinVar (database versions not stated): gnomAD exomes 0.00001; ExAC 0.00003; ESP Exome Variant Server 0.00008; gnomAD 0.00011.

Submissions (4):

GeneDx
Classification: Uncertain significance. Last evaluated: 2026-09-30. Review status: criteria provided, single submitter. Criteria: GeneDx Variant Classification Process June 2021. Collection method: clinical testing. Allele origin: germline.
Comment: Has not been previously published as pathogenic or benign to our knowledge; In silico analysis supports that this missense variant has a deleterious effect on protein structure/function

Women's Health and Genetics/Laboratory Corporation of America, LabCorp
Classification: Uncertain significance. Last evaluated: 2026-04-07. Review status: criteria provided, single submitter. Criteria: LabCorp Variant Classification Summary - May 2015. Collection method: clinical testing. Allele origin: germline.
Comment: Variant summary: COL11A2 c.2647G>A (p.Gly883Ser) results in a non-conservative amino acid change in the encoded protein sequence. Algorithms developed to predict the effect of missense changes on protein structure and function all suggest that this variant is likely to be disruptive. The variant allele was found at a frequency of 2.5e-05 in 241998 control chromosomes. The available data on variant occurrences in the general population are insufficient to allow any conclusion about variant significance. To our knowledge, no occurrence of c.2647G>A in individuals affected with COL11A2-related conditions and no experimental evidence demonstrating its impact on protein function have been reported. ClinVar contains an entry for this variant (Variation ID: 2144971). Based on the evidence outlined above, the variant was classified as uncertain significance.

Labcorp Genetics (formerly Invitae), Labcorp
Classification: Likely benign. Last evaluated: 2026-01-14. Review status: criteria provided, single submitter. Criteria: Invitae Variant Classification Sherloc (09022015). Collection method: clinical testing. Allele origin: germline.

Ambry Genetics
Classification: Uncertain significance for Inborn genetic diseases. Last evaluated: 2025-09-25. Review status: criteria provided, single submitter. Criteria: Ambry Variant Classification Scheme 2023. Collection method: clinical testing. Allele origin: germline.

NM_080680.3(COL11A2):c.2647G>A (p.Gly883Ser)

Gene: COL11A2 (collagen type XI alpha 2 chain; minus strand). Cytogenetic location: 6p21.32.
Variant type: single nucleotide variant.
Coding change: c.2647G>A on transcript NM_080680.3 (MANE Select); coding-DNA position 2647, G replaced by A.
Protein change: p.Gly883Ser; replaces glycine 883 with serine.
Molecular consequence: missense variant.
Genome position (GRCh38, 1-based): chr6:33,173,537, C>T on the plus strand (G>A on the coding strand, the complement: COL11A2 is on the minus strand). VCF-style: chr6-33173537-C-T. GRCh37 (hg19) VCF-style: chr6-33141314-C-T.
Other names: c.2326G>A, p.Gly776Ser (NM_080679.3); c.2389G>A, p.Gly797Ser (NM_080681.3); c.2647G>A (NM_080680.2); short protein forms G797S, G776S, G883S.
Identifiers: ClinVar variation 2144971 (VCV002144971.10), dbSNP rs144782720, ClinGen allele CA3750787.